The following is an entry in ClinVar:

ClinVar aggregate classification (germline): Uncertain significance. Review status: criteria provided, multiple submitters, no conflicts (2 of 4 stars). 6 submissions from 6 submitters: Uncertain significance (6). Last evaluated 2026-06-05.

Conditions:
AXIN2-related disorder.
Colorectal cancer. Also called: Malignant Colorectal Neoplasm; Colorectal cancer, somatic. Identifiers: MedGen C0346629, MONDO:0005575, OMIM 114500.
Oligodontia-cancer predisposition syndrome. Also called: TOOTH AGENESIS-COLORECTAL CANCER SYNDROME. Identifiers: Orphanet 300576, MedGen C1837750, MONDO:0012075, OMIM 608615. Disease mechanism: loss of function.
Hereditary cancer-predisposing syndrome. Also called: Tumor predisposition; Hereditary neoplastic syndrome; Neoplastic Syndromes, Hereditary; Hereditary Cancer Syndrome. Identifiers: Orphanet 140162, MedGen C0027672, MeSH D009386, MONDO:0015356.

Submissions (6):

PreventionGenetics, part of Exact Sciences
Classification: Uncertain significance for AXIN2-related condition. Last evaluated: 2026-06-05. Review status: criteria provided, single submitter. Criteria: ACMG Guidelines, 2015. Collection method: clinical testing. Allele origin: germline.
Comment: The AXIN2 c.128_133dup6 variant is predicted to result in an in-frame duplication (p.Gly43_Gln44dup). This variant is alternatively referred to as c.133_134insGCCAGG (p.44_45insGQ) in the literature and has been reported in an individual and affected parent with tooth agenesis (Yue et al. 2022. PubMed ID: 36017684). This variant is reported in 0.033% of alleles in individuals of East Asian descent in gnomAD and is interpreted as uncertain in ClinVar (Variation ID: 464532). At this time, the clinical significance of this variant is uncertain due to the absence of conclusive functional and genetic evidence.

Labcorp Genetics (formerly Invitae), Labcorp
Classification: Uncertain significance for Oligodontia-cancer predisposition syndrome. Last evaluated: 2026-01-19. Review status: criteria provided, single submitter. Criteria: Invitae Variant Classification Sherloc (09022015). Collection method: clinical testing. Allele origin: germline.
Comment: This variant, c.128_133dup, results in the insertion of 2 amino acid(s) of the AXIN2 protein (p.Gly43_Gln44dup), but otherwise preserves the integrity of the reading frame. This variant is present in population databases (rs772061457, gnomAD 0.03%). This variant has not been reported in the literature in individuals affected with AXIN2-related conditions. ClinVar contains an entry for this variant (Variation ID: 464532). Experimental studies and prediction algorithms are not available or were not evaluated, and the functional significance of this variant is currently unknown. In summary, the available evidence is currently insufficient to determine the role of this variant in disease. Therefore, it has been classified as a Variant of Uncertain Significance.

Ambry Genetics
Classification: Uncertain significance for Hereditary cancer-predisposing syndrome. Last evaluated: 2024-12-18. Review status: criteria provided, single submitter. Criteria: Ambry Variant Classification Scheme 2023. Collection method: clinical testing. Allele origin: germline.
Comment: The c.128_133dupGCCAGG variant (also known as p.G43_Q44dup) is located in coding exon 1 of the AXIN2 gene. This variant results from an in-frame duplication of 6 nucleotides at positions 128 to 133. This results in the duplication of 2 extra residues (GQ) between codons 43 and 44. This amino acid region is not well conserved in available vertebrate species. This alteration, designated as c.133_134insGCCAGG, was reported in a proband and father affected with tooth agenesis (Yue H et al. Mol Genet Genomic Med, 2022 Oct;10:e2045). In addition, this alteration is predicted to be neutral by in silico analysis (Choi Y et al. PLoS ONE. 2012; 7(10):e46688). Since supporting evidence is limited at this time, the clinical significance of this alteration remains unclear.

Fulgent Genetics
Classification: Uncertain significance for Colorectal cancer; Oligodontia-cancer predisposition syndrome. Last evaluated: 2024-06-21. Review status: criteria provided, single submitter. Criteria: ACMG Guidelines, 2015. Collection method: clinical testing. Allele origin: germline.

GeneDx
Classification: Uncertain significance. Last evaluated: 2024-06-14. Review status: criteria provided, single submitter. Criteria: GeneDx Variant Classification Process June 2021. Collection method: clinical testing. Allele origin: germline. Affected: yes.
Comment: In-frame duplication of 2 amino acids in a non-repeat region; Not observed at significant frequency in large population cohorts (gnomAD); This variant is associated with the following publications: (PMID: 36017684)

Baylor Genetics
Classification: Uncertain significance for Colorectal cancer. Last evaluated: 2024-03-24. Review status: criteria provided, single submitter. Criteria: ACMG Guidelines, 2015. Collection method: clinical testing. Allele origin: unknown.

Literature cited by the submitters: PubMed 36017684 (cited by Ambry Genetics).

NM_004655.4(AXIN2):c.128_133dup (p.Gly43_Gln44dup)

Gene: AXIN2 (axin 2; minus strand). Cytogenetic location: 17q24.1.
Variant type: Duplication.
Coding change: c.128_133dup on transcript NM_004655.4 (MANE Select); coding-DNA positions 128 to 133, 6 bases duplicated (GCCAGG; older notation c.128_133dupGCCAGG).
Protein change: p.Gly43_Gln44dup.
Molecular consequence: inframe insertion.
Genome position (GRCh38, 1-based): chr17:65,558,488-65,558,493, CCTGGC duplicated on the plus strand (GCCAGG on the coding strand, the reverse complement: AXIN2 is on the minus strand); duplicating any 6 consecutive bases within chr17:65,558,488-65,558,496 gives the same sequence; the c. name uses the placement nearest the transcript's 3' end. VCF-style (leftmost placement, unchanged base first): chr17-65558487-A-ACCTGGC. GRCh37 (hg19) VCF-style: chr17-63554605-A-ACCTGGC.
Other names: c.128_133dup (LRG_296t1); c.128_133dup, p.Gly43_Gln44dup (NM_001363813.1); c.128_133dup6 (NM_004655.3); c.128_133dupGCCAGG (NM_004655.3).
Identifiers: ClinVar variation 464532 (VCV000464532.17), dbSNP rs772061457, ClinGen allele CA8719096.
Genomic context (GRCh38, chr17:65,558,487, plus strand): 5'-GGCTCCCCCAACCCATCTTCGTTCCGCCTGGTGTTGGAAGAGACAGGCATGGGTTTGGTG[A>ACCTGGC]CCTGGCCCTTGCCCACCCCTGGCTGACACGGTGGGGTCTCCCCTTCTTCCCCTGGCACTG-3'